The following is an entry in ClinVar:

NM_001540.5(HSPB1):c.19C>T (p.Pro7Ser)

Gene: HSPB1 (heat shock protein family B (small) member 1; plus strand). Cytogenetic location: 7q11.23.
Variant type: single nucleotide variant.
Coding change: c.19C>T on transcript NM_001540.5 (MANE Select); coding-DNA position 19, C replaced by T.
Protein change: p.Pro7Ser; replaces proline 7 with serine.
Molecular consequence: missense variant.
Genome position (GRCh38, 1-based): chr7:76,302,731, C>T. VCF-style: chr7-76302731-C-T. GRCh37 (hg19) VCF-style: chr7-75932048-C-T.
Other names: c.19C>T (LRG_248t1); short protein forms P7S.
Identifiers: ClinVar variation 560407 (VCV000560407.10), dbSNP rs1563651698, ClinGen allele CA367762689.

ClinVar aggregate classification (germline): Conflicting classifications of pathogenicity. Review status: criteria provided, conflicting classifications (1 of 4 stars). 2 submissions from 2 submitters: Likely pathogenic (1); Uncertain significance (1). Last evaluated 2023-05-11.

Conditions:
Charcot-Marie-Tooth disease axonal type 2F (CMT2F). Also called: CHARCOT-MARIE-TOOTH DISEASE, NEURONAL, TYPE 2F; Charcot-Marie-Tooth Neuropathy Type 2F. Identifiers: Orphanet 99940, MedGen C1847823, MONDO:0011687, OMIM 606595.
Neuronopathy, distal hereditary motor, type 2B. Also called: HMN IIB; NEURONOPATHY, DISTAL HEREDITARY MOTOR, AUTOSOMAL DOMINANT 3; NEURONOPATHY, DISTAL HEREDITARY MOTOR, HARDING TYPE IIB; NEUROPATHY, DISTAL HEREDITARY MOTOR, HARDING TYPE IIB. Identifiers: Orphanet 139525, MedGen C2608087, MONDO:0012080, OMIM 608634.

Submissions (2):

Labcorp Genetics (formerly Invitae), Labcorp
Classification: Uncertain significance for Charcot-Marie-Tooth disease axonal type 2F. Last evaluated: 2023-05-11. Review status: criteria provided, single submitter. Criteria: Invitae Variant Classification Sherloc (09022015). Collection method: clinical testing. Allele origin: germline.
Comment: ClinVar contains an entry for this variant (Variation ID: 560407). Advanced modeling of protein sequence and biophysical properties (such as structural, functional, and spatial information, amino acid conservation, physicochemical variation, residue mobility, and thermodynamic stability) has been performed at Invitae for this missense variant, however the output from this modeling did not meet the statistical confidence thresholds required to predict the impact of this variant on HSPB1 protein function. This variant disrupts the p.Pro7 amino acid residue in HSPB1. Other variant(s) that disrupt this residue have been determined to be pathogenic (PMID: 26989944, 29031079). This suggests that this residue is clinically significant, and that variants that disrupt this residue are likely to be disease-causing. In summary, the available evidence is currently insufficient to determine the role of this variant in disease. Therefore, it has been classified as a Variant of Uncertain Significance. This missense change has been observed in individual(s) with distal hereditary motor neuropathy (PMID: 28144995). This sequence change replaces proline, which is neutral and non-polar, with serine, which is neutral and polar, at codon 7 of the HSPB1 protein (p.Pro7Ser). This variant is not present in population databases (gnomAD no frequency).

Biochimie - Maladies Neurologiques Hereditaires, Hospices Civils de Lyon
Classification: Likely pathogenic for Neuronopathy, distal hereditary motor, type 2B. Last evaluated: 2017-02-02. Review status: criteria provided, single submitter. Criteria: ACMG Guidelines, 2015. Collection method: clinical testing. Allele origin: inherited. Affected: yes.
Comment: Article ID: HUMU23189

Literature cited by the submitters: PubMed 26989944 (cited by Labcorp Genetics (formerly Invitae), Labcorp); PubMed 29031079 (cited by Labcorp Genetics (formerly Invitae), Labcorp); PubMed 28144995 (cited by Labcorp Genetics (formerly Invitae), Labcorp).